The following is an entry in ClinVar:

ClinVar aggregate classification (germline): Uncertain significance (1 of 4 stars; one submission).

Conditions:
Adams-Oliver syndrome 5 (AOS5). Identifiers: Orphanet 974, MedGen C4014970, MONDO:0014459, OMIM 616028.

Submission:

Labcorp Genetics (formerly Invitae), Labcorp
Classification: Uncertain significance for Adams-Oliver syndrome 5. Last evaluated: 2026-01-04. Review status: criteria provided, single submitter. Criteria: Invitae Variant Classification Sherloc (09022015). Collection method: clinical testing. Allele origin: germline.
Comment: This sequence change replaces methionine, which is neutral and non-polar, with isoleucine, which is neutral and non-polar, at codon 771 of the NOTCH1 protein (p.Met771Ile). This variant is not present in population databases (gnomAD no frequency). This variant has not been reported in the literature in individuals affected with NOTCH1-related conditions. Invitae Evidence Modeling of protein sequence and biophysical properties (such as structural, functional, and spatial information, amino acid conservation, physicochemical variation, residue mobility, and thermodynamic stability) indicates that this missense variant is not expected to disrupt NOTCH1 protein function with a negative predictive value of 80%. In summary, the available evidence is currently insufficient to determine the role of this variant in disease. Therefore, it has been classified as a Variant of Uncertain Significance.

NM_017617.5(NOTCH1):c.2313G>A (p.Met771Ile)

Gene: NOTCH1 (notch receptor 1; minus strand). Cytogenetic location: 9q34.3.
Variant type: single nucleotide variant.
Coding change: c.2313G>A on transcript NM_017617.5 (MANE Select); coding-DNA position 2313, G replaced by A.
Protein change: p.Met771Ile; replaces methionine 771 with isoleucine.
Molecular consequence: missense variant.
Genome position (GRCh38, 1-based): chr9:136,513,432, C>T on the plus strand (G>A on the coding strand, the complement: NOTCH1 is on the minus strand). VCF-style: chr9-136513432-C-T. GRCh37 (hg19) VCF-style: chr9-139407884-C-T.
Other names: short protein forms M771I.
Identifiers: ClinVar variation 4740433 (VCV004740433.1).